The following is an entry in ClinVar:

NM_003047.5(SLC9A1):c.805G>A (p.Val269Ile)

Gene: SLC9A1 (solute carrier family 9 member A1; minus strand). Cytogenetic location: 1p36.11.
Variant type: single nucleotide variant.
Coding change: c.805G>A on transcript NM_003047.5 (MANE Select); coding-DNA position 805, G replaced by A.
Protein change: p.Val269Ile; replaces valine 269 with isoleucine.
Molecular consequence: missense variant.
Genome position (GRCh38, 1-based): chr1:27,113,834, C>T on the plus strand (G>A on the coding strand, the complement: SLC9A1 is on the minus strand). VCF-style: chr1-27113834-C-T. GRCh37 (hg19) VCF-style: chr1-27440325-C-T.
Other names: short protein forms V269I.
Identifiers: ClinVar variation 2988348 (VCV002988348.1), dbSNP rs1006386569, ClinGen allele CA19842202.
Genomic context (GRCh38, chr1:27,113,834, plus strand): 5'-TGGATTTGGGTTTGTACCGTTTGGACATGGGCATGGCCCCTGGCCTCCTCACCACAGTGA[C>T]GGCGTCATTGAGCAAGGACTCCCCAAAAACAAGGATGTGCAGCAGCTCATTGATGTGAAT-3'
Protein context (NP_003038.2, residues 259-279): VFGESLLNDA[Val269Ile]TVVLYHLFEE

ClinVar aggregate classification (germline): Uncertain significance (1 of 4 stars; one submission).

Allele frequency attached by ClinVar (database versions not stated): TOPMed below 0.00001; gnomAD 0.00001; gnomAD exomes 0.00001.
gnomAD v4.1: 22 of 1,611,018 alleles (0.0014%); highest among the groups gnomAD compares: Middle Eastern, 0.016%; no homozygotes.

Submission:

Labcorp Genetics (formerly Invitae), Labcorp
Classification: Uncertain significance. Last evaluated: 2022-11-28. Review status: criteria provided, single submitter. Criteria: Invitae Variant Classification Sherloc (09022015). Collection method: clinical testing. Allele origin: germline.
Comment: This sequence change replaces valine, which is neutral and non-polar, with isoleucine, which is neutral and non-polar, at codon 269 of the SLC9A1 protein (p.Val269Ile). In summary, the available evidence is currently insufficient to determine the role of this variant in disease. Therefore, it has been classified as a Variant of Uncertain Significance. Algorithms developed to predict the effect of missense changes on protein structure and function are either unavailable or do not agree on the potential impact of this missense change (SIFT: "Tolerated"; PolyPhen-2: "Probably Damaging"; Align-GVGD: "Class C0"). This variant has not been reported in the literature in individuals affected with SLC9A1-related conditions. This variant is present in population databases (no rsID available, gnomAD 0.0009%).